The following is an entry in ClinVar:

NM_001042492.3(NF1):c.6007-19A>G

Gene: NF1 (neurofibromin 1; plus strand). Cytogenetic location: 17q11.2.
Variant type: single nucleotide variant.
Coding change: c.6007-19A>G on transcript NM_001042492.3 (MANE Select); 19 bases into the intron before coding-DNA position 6007, A replaced by G.
Molecular consequence: intron variant.
Genome position (GRCh38, 1-based): chr17:31,336,314, A>G. VCF-style: chr17-31336314-A-G. GRCh37 (hg19) VCF-style: chr17-29663332-A-G.
Other names: c.5944-19A>G (NM_000267.4).
Identifiers: ClinVar variation 4700734 (VCV004700734.2).

ClinVar aggregate classification (germline): Likely benign. Review status: criteria provided, multiple submitters, no conflicts (2 of 4 stars). 2 submissions from 2 submitters: Likely benign (2). Last evaluated 2026-05-13.

Conditions:
Neurofibromatosis, type 1 (NF1). Also called: VON RECKLINGHAUSEN DISEASE; NEUROFIBROMATOSIS, TYPE I, SOMATIC; Peripheral type neurofibromatosis; Neurofibromatosis, type I. Identifiers: Orphanet 636, MedGen C0027831, MONDO:0018975, OMIM 162200. Disease mechanism: loss of function.

Submissions (2):

Myriad Genetics, Inc.
Classification: Likely benign for Neurofibromatosis, type 1. Last evaluated: 2026-05-13. Review status: criteria provided, single submitter. Criteria: Myriad Autosomal Dominant, Autosomal Recessive and X-Linked Classification Criteria (2023). Collection method: clinical testing. Allele origin: unknown.
Comment: This variant is considered likely benign. This variant is intronic and is not expected to impact mRNA splicing.

Labcorp Genetics (formerly Invitae), Labcorp
Classification: Likely benign for Neurofibromatosis, type 1. Last evaluated: 2026-01-27. Review status: criteria provided, single submitter. Criteria: Invitae Variant Classification Sherloc (09022015). Collection method: clinical testing. Allele origin: germline.